The following is an entry in ClinVar:

NM_013296.5(GPSM2):c.1062+189C>G

Gene: GPSM2 (G protein signaling modulator 2; plus strand). Cytogenetic location: 1p13.3.
Variant type: single nucleotide variant.
Coding change: c.1062+189C>G on transcript NM_013296.5 (MANE Select); 189 bases into the intron after coding-DNA position 1062, C replaced by G.
Molecular consequence: intron variant.
Genome position (GRCh38, 1-based): chr1:108,903,423, C>G. VCF-style: chr1-108903423-C-G. GRCh37 (hg19) VCF-style: chr1-109446045-C-G.
Other names: c.1062+189C>G (NM_001321038.2, NM_001321039.3).
Identifiers: ClinVar variation 681360 (VCV000681360.1), dbSNP rs338491, ClinGen allele CA10813017.
Genomic context (GRCh38, chr1:108,903,423, plus strand): 5'-GCATAAGAACCCCAGAAAGCATTTTGAGGTACAGATCACAGTTATGTTTGTATTGGCTTT[C>G]ATGTAGGAAGACAGGAAAGTAAGGCCGGGCATGGGGAAGTGGAAGGAGAGTACTAAAATA-3'

ClinVar aggregate classification (germline): Benign (1 of 4 stars; one submission).

Allele frequency attached by ClinVar (database versions not stated): 1000 Genomes Project 0.31689; 1000 Genomes Project 30x 0.32370; gnomAD 0.35981 and 0.37085; TOPMed 0.36244.
gnomAD v4.1: 54,543 of 151,902 alleles (36%); highest among the groups gnomAD compares: African/African-American, 58%; 11,490 homozygotes.

Submission:

GeneDx
Classification: Benign. Last evaluated: 2018-06-14. Review status: criteria provided, single submitter. Criteria: GeneDx Variant Classification (06012015). Collection method: clinical testing. Allele origin: germline. Affected: yes.
Comment: This variant is considered likely benign or benign based on one or more of the following criteria: it is a conservative change, it occurs at a poorly conserved position in the protein, it is predicted to be benign by multiple in silico algorithms, and/or has population frequency not consistent with disease.